The following is an entry in ClinVar:

NM_182894.3(VSX2):c.255dup (p.Gly86fs)

Gene: VSX2 (visual system homeobox 2; plus strand). Cytogenetic location: 14q24.3.
Variant type: Duplication.
Coding change: c.255dup on transcript NM_182894.3 (MANE Select); coding-DNA position 255, one base duplicated (T; older notation c.255dupT).
Protein change: p.Gly86fs; shifts the reading frame from glycine 86.
Molecular consequence: frameshift variant.
Genome position (GRCh38, 1-based): chr14:74,239,816, T duplicated. VCF-style (leftmost placement, unchanged base first): chr14-74239815-C-CT. GRCh37 (hg19) VCF-style: chr14-74706518-C-CT.
Other names: short protein forms G86fs.
Identifiers: ClinVar variation 5012009 (VCV005012009.1).

ClinVar aggregate classification (germline): Pathogenic (1 of 4 stars; one submission).

Conditions:
Microphthalmia, isolated, with coloboma 3 (MCOPCB3). Also called: MICROPHTHALMIA/COLOBOMA 3; MICROPHTHALMIA, COLOBOMATOUS, 3. Identifiers: Orphanet 98938, MedGen C1864721, MONDO:0012408, OMIM 610092.

Submission:

Myriad Genetics, Inc.
Classification: Pathogenic for Microphthalmia, isolated, with coloboma 3. Last evaluated: 2023-09-27. Review status: criteria provided, single submitter. Criteria: Myriad Autosomal Dominant, Autosomal Recessive and X-Linked Classification Criteria (2023). Collection method: clinical testing. Allele origin: unknown.
Comment: NM_182894.2(VSX2):c.255dupT(G86Wfs*41) is expected to be pathogenic in the context of microphthalmia, anophthalmia, and coloboma, VSX2-related. This variant is predicted to lead to an abnormal or absent protein product due to the creation of a premature termination codon in VSX2, a gene where loss-of-function variants are known to be pathogenic. Please note: this variant was assessed in the context of healthy population screening.